The following is an entry in ClinVar:

NM_000256.3(MYBPC3):c.2834G>A (p.Arg945Gln)

Gene: MYBPC3 (myosin binding protein C3; minus strand). Cytogenetic location: 11p11.2.
Variant type: single nucleotide variant.
Coding change: c.2834G>A on transcript NM_000256.3 (MANE Select); coding-DNA position 2834, G replaced by A.
Protein change: p.Arg945Gln; replaces arginine 945 with glutamine.
Molecular consequence: missense variant.
Genome position (GRCh38, 1-based): chr11:47,335,113, C>T on the plus strand (G>A on the coding strand, the complement: MYBPC3 is on the minus strand). VCF-style: chr11-47335113-C-T. GRCh37 (hg19) VCF-style: chr11-47356664-C-T.
Other names: short protein forms R945Q.
Identifiers: ClinVar variation 922595 (VCV000922595.9), dbSNP rs1443971720, ClinGen allele CA380316338.

ClinVar aggregate classification (germline): Uncertain significance. Review status: criteria provided, multiple submitters, no conflicts (2 of 4 stars). 4 submissions from 4 submitters: Uncertain significance (4). Last evaluated 2025-09-23.

Conditions:
Cardiomyopathy (CMYO). Also called: Cardiomyopathies. Identifiers: Orphanet 167848, MedGen C0878544, MONDO:0004994, HP:0001638. Inheritance: Various modes of inheritance.
Hypertrophic cardiomyopathy. Also called: HYPERTROPHIC MYOCARDIOPATHY. Identifiers: Orphanet 217569, MedGen C0007194, MeSH D002312, MONDO:0005045, HP:0001639.
Cardiovascular phenotype. Identifiers: MedGen CN230736.

Allele frequency attached by ClinVar (database versions not stated): gnomAD exomes 0.00001; TOPMed 0.00001.
gnomAD v4.1: 27 of 1,612,064 alleles (0.0017%); highest among the groups gnomAD compares: Admixed American, 0.0067%; no homozygotes.

Submissions (4):

Labcorp Genetics (formerly Invitae), Labcorp
Classification: Uncertain significance for Hypertrophic cardiomyopathy. Last evaluated: 2025-09-23. Review status: criteria provided, single submitter. Criteria: Invitae Variant Classification Sherloc (09022015). Collection method: clinical testing. Allele origin: germline.
Comment: This sequence change replaces arginine, which is basic and polar, with glutamine, which is neutral and polar, at codon 945 of the MYBPC3 protein (p.Arg945Gln). This variant is present in population databases (no rsID available, gnomAD 0.006%). This missense change has been observed in individual(s) with hypertrophic cardiomyopathy (PMID: 27532257, 37652022). ClinVar contains an entry for this variant (Variation ID: 922595). An algorithm developed to predict the effect of missense changes on protein structure and function outputs the following: PolyPhen-2: "Probably Damaging". The glutamine amino acid residue is found in multiple mammalian species, which suggests that this missense change does not adversely affect protein function. In summary, the available evidence is currently insufficient to determine the role of this variant in disease. Therefore, it has been classified as a Variant of Uncertain Significance.

All of Us Research Program, National Institutes of Health
Classification: Uncertain significance for Hypertrophic cardiomyopathy. Last evaluated: 2023-10-30. Review status: criteria provided, single submitter. Criteria: ACMG Guidelines, 2015. Collection method: clinical testing. Allele origin: germline. Inheritance: Autosomal dominant inheritance. Observed: 2 variant alleles, 2 heterozygotes.
Comment: This missense variant replaces arginine with glutamine at codon 945 of the MYBPC3 protein. Computational prediction suggests that this variant may not impact protein structure and function (internally defined REVEL score threshold <= 0.5, PMID: 27666373). To our knowledge, functional studies have not been reported for this variant. This variant has not been reported in an individual affected with hypertrophic cardiomyopathy (PMID: 27532257). This variant has been identified in 3/246646 chromosomes in the general population by the Genome Aggregation Database (gnomAD). The available evidence is insufficient to determine the role of this variant in disease conclusively. Therefore, this variant is classified as a Variant of Uncertain Significance.

This study involves interpretation of variants in research participants for the purpose of population health screening. Participant phenotype was not available at the time of variant classification. Additional details can be found in publication PMID: 35346344, PMCID: PMC8962531

Color Diagnostics, LLC DBA Color Health
Classification: Uncertain significance for Cardiomyopathy. Last evaluated: 2023-10-03. Review status: criteria provided, single submitter. Criteria: ACMG Guidelines, 2015. Collection method: clinical testing. Allele origin: germline.
Comment: This missense variant replaces arginine with glutamine at codon 945 of the MYBPC3 protein. Computational prediction suggests that this variant may not impact protein structure and function (internally defined REVEL score threshold <= 0.5, PMID: 27666373). To our knowledge, functional studies have not been reported for this variant. This variant has not been reported in an individual affected with hypertrophic cardiomyopathy (PMID: 27532257). This variant has been identified in 3/246646 chromosomes in the general population by the Genome Aggregation Database (gnomAD). The available evidence is insufficient to determine the role of this variant in disease conclusively. Therefore, this variant is classified as a Variant of Uncertain Significance.

Ambry Genetics
Classification: Uncertain significance for Cardiovascular phenotype. Last evaluated: 2023-06-28. Review status: criteria provided, single submitter. Criteria: Ambry Variant Classification Scheme 2023. Collection method: clinical testing. Allele origin: germline.
Comment: The p.R945Q variant (also known as c.2834G>A), located in coding exon 27 of the MYBPC3 gene, results from a G to A substitution at nucleotide position 2834. The arginine at codon 945 is replaced by glutamine, an amino acid with highly similar properties. This alteration have been reported in a hypertrophic cardiomyopathy (HCM) cohort; however, clinical details were limited (Walsh R et al. Genet Med, 2017 Feb;19:192-203). This amino acid position is not well conserved in available vertebrate species. In addition, this alteration is predicted to be tolerated by in silico analysis. Since supporting evidence is limited at this time, the clinical significance of this alteration remains unclear.

Literature cited by the submitters: PubMed 27532257 (cited by 4 submitters); PubMed 37652022 (cited by Labcorp Genetics (formerly Invitae), Labcorp).